The following is an entry in ClinVar:

ClinVar aggregate classification (germline): Uncertain significance (1 of 4 stars; one submission).

Conditions:
Bloom syndrome (BLM). Also called: Bloom-Torre-Machacek syndrome. Identifiers: Orphanet 125, MedGen C0005859, MONDO:0008876, OMIM 210900.

Allele frequency attached by ClinVar (database versions not stated): gnomAD exomes below 0.00001.
gnomAD v4.1: 1 of 1,606,212 alleles (0.000062%); highest among the groups gnomAD compares: Non-Finnish European, 0.000085%; no homozygotes.

Submission:

Labcorp Genetics (formerly Invitae), Labcorp
Classification: Uncertain significance for Bloom syndrome. Last evaluated: 2023-07-16. Review status: criteria provided, single submitter. Criteria: Invitae Variant Classification Sherloc (09022015). Collection method: clinical testing. Allele origin: germline.
Comment: In summary, the available evidence is currently insufficient to determine the role of this variant in disease. Therefore, it has been classified as a Variant of Uncertain Significance. Advanced modeling of protein sequence and biophysical properties (such as structural, functional, and spatial information, amino acid conservation, physicochemical variation, residue mobility, and thermodynamic stability) performed at Invitae indicates that this missense variant is not expected to disrupt BLM protein function. This variant has not been reported in the literature in individuals affected with BLM-related conditions. This variant is not present in population databases (gnomAD no frequency). This sequence change replaces threonine, which is neutral and polar, with alanine, which is neutral and non-polar, at codon 747 of the BLM protein (p.Thr747Ala).

NM_000057.4(BLM):c.2239A>G (p.Thr747Ala)

Gene: BLM (BLM RecQ like helicase; plus strand). Cytogenetic location: 15q26.1.
Variant type: single nucleotide variant.
Coding change: c.2239A>G on transcript NM_000057.4 (MANE Select); coding-DNA position 2239, A replaced by G.
Protein change: p.Thr747Ala; replaces threonine 747 with alanine.
Molecular consequence: missense variant.
Genome position (GRCh38, 1-based): chr15:90,766,955, A>G. VCF-style: chr15-90766955-A-G. GRCh37 (hg19) VCF-style: chr15-91310185-A-G.
Other names: c.2239A>G, p.Thr747Ala (NM_001287246.2, NM_001287247.2); c.1114A>G, p.Thr372Ala (NM_001287248.2); short protein forms T372A, T747A.
Identifiers: ClinVar variation 2743547 (VCV002743547.3), dbSNP rs2505447018, ClinGen allele CA393844858.